The following is an entry in ClinVar:

ClinVar aggregate classification (germline): Uncertain significance. Review status: criteria provided, multiple submitters, no conflicts (2 of 4 stars). 2 submissions from 2 submitters: Uncertain significance (2). Last evaluated 2025-08-26.

Conditions:
Intellectual developmental disorder with hypotonia, impaired speech, and dysmorphic facies (IDDHISD). Identifiers: MedGen C5561997, MONDO:0859197, OMIM 619556.

Submissions (2):

3billion
Classification: Uncertain significance for Intellectual developmental disorder with hypotonia, impaired speech, and dysmorphic facies. Last evaluated: 2025-08-26. Review status: criteria provided, single submitter. Criteria: ACMG Guidelines, 2015. Collection method: clinical testing. Allele origin: germline. Affected: yes.
Comment: The variant is not observed in the gnomAD v4.1.0 dataset. Predicted Consequence/Location: Missense variant. Missense changes are a common disease-causing mechanism. In silico tool predictions suggest damaging effect of the variant on gene or gene product [REVEL: 0.73 (>=0.6, sensitivity 0.68 and specificity 0.92)]. The variant has been reported as of uncertain significance (ClinVar ID: VCV001312420). Therefore, this variant is classified as VUS according to the recommendation of ACMG/AMP guideline.

GeneDx
Classification: Uncertain significance. Last evaluated: 2019-09-23. Review status: criteria provided, single submitter. Criteria: GeneDx Variant Classification Process June 2021. Collection method: clinical testing. Allele origin: germline. Affected: yes.
Comment: Not observed in large population cohorts (Lek et al., 2016); In silico analysis, which includes protein predictors and evolutionary conservation, supports a deleterious effect; Has not been previously published as pathogenic or benign to our knowledge; Variants in candidate genes are classified as variants of uncertain significance in accordance with ACMG guidelines (Richards et al., 2015)

NM_001382241.1(TNPO2):c.1906G>C (p.Asp636His)

Gene: TNPO2 (transportin 2; minus strand). Cytogenetic location: 19p13.13.
Variant type: single nucleotide variant.
Coding change: c.1906G>C on transcript NM_001382241.1 (MANE Select); coding-DNA position 1906, G replaced by C.
Protein change: p.Asp636His; replaces aspartic acid 636 with histidine.
Molecular consequence: missense variant. On other transcripts: non-coding transcript variant (6).
Genome position (GRCh38, 1-based): chr19:12,705,356, C>G on the plus strand (G>C on the coding strand, the complement: TNPO2 is on the minus strand). VCF-style: chr19-12705356-C-G. GRCh37 (hg19) VCF-style: chr19-12816170-C-G.
Other names: c.1906G>C, p.Asp636His (NM_001382237.1, NM_001382238.1, NM_001382239.1 and 7 more transcripts); short protein forms D636H.
Identifiers: ClinVar variation 1312420 (VCV001312420.3), dbSNP rs2145483345, ClinGen allele CA404238916.